The following is an entry in ClinVar:

ClinVar aggregate classification (germline): Uncertain significance (1 of 4 stars; one submission).

Conditions:
BAP1-related tumor predisposition syndrome (TPDS1). Also called: COMMON Syndrome; TUMOR PREDISPOSITION SYNDROME 1; Tumor susceptibility linked to germline BAP1 mutations; BAP1 tumor predisposition syndrome. Identifiers: Orphanet 289539, MedGen C3280492, MONDO:0013692, OMIM 614327.

Submission:

Labcorp Genetics (formerly Invitae), Labcorp
Classification: Uncertain significance for BAP1-related tumor predisposition syndrome. Last evaluated: 2024-01-12. Review status: criteria provided, single submitter. Criteria: Invitae Variant Classification Sherloc (09022015). Collection method: clinical testing. Allele origin: germline.
Comment: This sequence change replaces glutamic acid, which is acidic and polar, with aspartic acid, which is acidic and polar, at codon 200 of the BAP1 protein (p.Glu200Asp). This variant is not present in population databases (gnomAD no frequency). This variant has not been reported in the literature in individuals affected with BAP1-related conditions. Advanced modeling of protein sequence and biophysical properties (such as structural, functional, and spatial information, amino acid conservation, physicochemical variation, residue mobility, and thermodynamic stability) performed at Invitae indicates that this missense variant is not expected to disrupt BAP1 protein function with a negative predictive value of 80%. In summary, the available evidence is currently insufficient to determine the role of this variant in disease. Therefore, it has been classified as a Variant of Uncertain Significance.

NM_004656.4(BAP1):c.600G>C (p.Glu200Asp)

Gene: BAP1 (BRCA1 associated deubiquitinase 1; minus strand). Cytogenetic location: 3p21.1.
Variant type: single nucleotide variant.
Coding change: c.600G>C on transcript NM_004656.4 (MANE Select); coding-DNA position 600, G replaced by C.
Protein change: p.Glu200Asp; replaces glutamic acid 200 with aspartic acid.
Molecular consequence: missense variant.
Genome position (GRCh38, 1-based): chr3:52,406,888, C>G on the plus strand (G>C on the coding strand, the complement: BAP1 is on the minus strand). VCF-style: chr3-52406888-C-G. GRCh37 (hg19) VCF-style: chr3-52440904-C-G.
Other names: c.600G>C, p.Glu200Asp (NM_001410772.1); short protein forms E200D.
Identifiers: ClinVar variation 3004474 (VCV003004474.3), dbSNP rs1225054800, ClinGen allele CA353109100.